The following is an entry in ClinVar:

ClinVar aggregate classification (germline): Benign. Review status: criteria provided, single submitter (1 of 4 stars). 2 submissions from 1 submitter: Benign (1). 1 of the submissions does not count toward it. Last evaluated 2019-10-02.

Submissions (2):

GeneDx
Classification: Benign. Last evaluated: 2019-10-02. Review status: criteria provided, single submitter. Criteria: GeneDx Variant Classification Process June 2021. Collection method: clinical testing. Allele origin: germline. Affected: yes.

GeneDx
Classification: Benign. Last evaluated: 2013-10-21. Review status: flagged submission. Criteria: GeneDx Variant Classification (06012015). Collection method: clinical testing. Allele origin: germline. Affected: yes. Not counted in ClinVar's aggregate classification.
Comment: The variant is found in DEPLTN-MITOP,MITONUC-MITOP panel(s).
ClinVar note: Reason: This record appears to be redundant with a more recent record from the same submitter.
ClinVar note: Notes: SCV000251956 appears to be redundant with SCV001891276.

NM_025152.3(NUBPL):c.383-24AG[2]

Gene: NUBPL (NUBP iron-sulfur cluster assembly factor, mitochondrial; plus strand). Cytogenetic location: 14q12.
Variant type: Microsatellite.
Coding change: c.383-24AG[2] on transcript NM_025152.3 (MANE Select); two copies in a row of the 2-base unit AG starting at c.383-24; the reference has three copies in a row; one copy, 2 bases deleted.
Molecular consequence: intron variant.
Genome position (GRCh38, 1-based): chr14:31,673,335-31,673,336, AG deleted; deleting any 2 consecutive bases within chr14:31,673,331-31,673,336 gives the same sequence; the position shown is the placement nearest the transcript's 3' end. VCF-style (leftmost placement, unchanged base first): chr14-31673330-AAG-A. GRCh37 (hg19) VCF-style: chr14-32142536-AAG-A.
Other names: c.95-24AG[2] (NM_001201573.2); c.383-20_383-19delAG (NM_025152.2).
Identifiers: ClinVar variation 214870 (VCV000214870.3), dbSNP rs863224121, ClinGen allele CA325217.